The following is an entry in ClinVar:

ClinVar aggregate classification (germline): Uncertain significance (1 of 4 stars; one submission).

Conditions:
Inborn genetic diseases. Identifiers: MedGen C0950123, MeSH D030342.

Submission:

Ambry Genetics
Classification: Uncertain significance for Inborn genetic diseases. Last evaluated: 2026-03-12. Review status: criteria provided, single submitter. Criteria: Ambry Variant Classification Scheme 2023. Collection method: clinical testing. Allele origin: germline.
Comment: The p.A826T variant (also known as c.2476G>A), located in coding exon 12 of the BMPR2 gene, results from a G to A substitution at nucleotide position 2476. The alanine at codon 826 is replaced by threonine, an amino acid with similar properties. This amino acid position is conserved. In addition, the in silico prediction for this alteration is inconclusive. Based on the available evidence, the clinical significance of this variant remains unclear.

NM_001204.7(BMPR2):c.2476G>A (p.Ala826Thr)

Gene: BMPR2 (bone morphogenetic protein receptor type 2; plus strand). Cytogenetic location: 2q33.2.
Variant type: single nucleotide variant.
Coding change: c.2476G>A on transcript NM_001204.7 (MANE Select); coding-DNA position 2476, G replaced by A.
Protein change: p.Ala826Thr; replaces alanine 826 with threonine.
Molecular consequence: missense variant.
Genome position (GRCh38, 1-based): chr2:202,556,141, G>A. VCF-style: chr2-202556141-G-A. GRCh37 (hg19) VCF-style: chr2-203420864-G-A.
Other names: short protein forms A826T.
Identifiers: ClinVar variation 4827198 (VCV004827198.1).
Genomic context (GRCh38, chr2:202,556,141, plus strand): 5'-ATGAATGGTGTGGCAGGTAGAAACCACAGTGTTAACTCCCATGCTGCCACAACCCAATAT[G>A]CCAATGGGACAGTACTATCTGGCCAAACAACCAACATAGTGACACATAGGGCCCAAGAAA-3'
Protein context (NP_001195.2, residues 816-836): VNSHAATTQY[Ala826Thr]NGTVLSGQTT